The following is an entry in ClinVar:

ClinVar aggregate classification (germline): Conflicting classifications of pathogenicity. Review status: criteria provided, conflicting classifications (1 of 4 stars). 9 submissions from 9 submitters: Uncertain significance (7); Likely benign (2). Last evaluated 2026-02-03.

Conditions:
Oligodontia-cancer predisposition syndrome. Also called: TOOTH AGENESIS-COLORECTAL CANCER SYNDROME. Identifiers: Orphanet 300576, MedGen C1837750, MONDO:0012075, OMIM 608615. Disease mechanism: loss of function.
Colorectal cancer. Also called: Malignant Colorectal Neoplasm; Colorectal cancer, somatic. Identifiers: MedGen C0346629, MONDO:0005575, OMIM 114500.
Hereditary cancer-predisposing syndrome. Also called: Tumor predisposition; Hereditary neoplastic syndrome; Hereditary Cancer Syndrome; Neoplastic Syndromes, Hereditary. Identifiers: Orphanet 140162, MedGen C0027672, MeSH D009386, MONDO:0015356.

Allele frequency attached by ClinVar (database versions not stated): ExAC 0.00001; gnomAD exomes 0.00001 and 0.00002; TOPMed 0.00002.
gnomAD v4.1: 34 of 1,614,110 alleles (0.0021%); highest among the groups gnomAD compares: Non-Finnish European, 0.0028%; no homozygotes.

Submissions (9):

Labcorp Genetics (formerly Invitae), Labcorp
Classification: Uncertain significance for Oligodontia-cancer predisposition syndrome. Last evaluated: 2026-02-03. Review status: criteria provided, single submitter. Criteria: Invitae Variant Classification Sherloc (09022015). Collection method: clinical testing. Allele origin: germline.
Comment: This sequence change replaces aspartic acid, which is acidic and polar, with asparagine, which is neutral and polar, at codon 124 of the AXIN2 protein (p.Asp124Asn). This variant is present in population databases (rs755990979, gnomAD 0.002%). This missense change has been observed in individual(s) with clinical features of AXIN2-related conditions (PMID: 21520333). ClinVar contains an entry for this variant (Variation ID: 408772). Invitae Evidence Modeling of protein sequence and biophysical properties (such as structural, functional, and spatial information, amino acid conservation, physicochemical variation, residue mobility, and thermodynamic stability) indicates that this missense variant is not expected to disrupt AXIN2 protein function with a negative predictive value of 80%. In summary, the available evidence is currently insufficient to determine the role of this variant in disease. Therefore, it has been classified as a Variant of Uncertain Significance.

Center for Genomic Medicine, Rigshospitalet, Copenhagen University Hospital
Classification: Uncertain significance. Last evaluated: 2025-03-04. Review status: criteria provided, single submitter. Criteria: ACMG Guidelines, 2015. Collection method: clinical testing. Allele origin: germline.

CeGaT Center for Human Genetics Tuebingen
Classification: Likely benign. Last evaluated: 2024-07-01. Review status: criteria provided, single submitter. Criteria: CeGaT Center For Human Genetics Tuebingen Variant Classification Criteria Version 2. Collection method: clinical testing. Allele origin: germline. Affected: yes. Observed: 2 variant alleles.
Comment: AXIN2: BP1

Fulgent Genetics
Classification: Uncertain significance for Colorectal cancer; Oligodontia-cancer predisposition syndrome. Last evaluated: 2024-06-21. Review status: criteria provided, single submitter. Criteria: ACMG Guidelines, 2015. Collection method: clinical testing. Allele origin: germline.

GeneDx
Classification: Uncertain significance. Last evaluated: 2024-06-10. Review status: criteria provided, single submitter. Criteria: GeneDx Variant Classification Process June 2021. Collection method: clinical testing. Allele origin: germline. Affected: yes.
Comment: Not observed at significant frequency in large population cohorts (gnomAD); In silico analysis supports that this missense variant has a deleterious effect on protein structure/function; Has not been previously published as pathogenic or benign to our knowledge; This variant is associated with the following publications: (PMID: 15735151)

Quest Diagnostics Nichols Institute San Juan Capistrano
Classification: Uncertain significance. Last evaluated: 2024-04-29. Review status: criteria provided, single submitter. Criteria: Quest Diagnostics criteria. Collection method: clinical testing. Allele origin: unknown.
Comment: The AXIN2 c.370G>A (p.Asp124Asn) variant has not been reported in individuals with AXIN2-related conditions in the published literature. The frequency of this variant in the general population, 0.000008 (2/251494 chromosomes (Genome Aggregation Database)), is uninformative in the assessment of its pathogenicity. Analysis of this variant using bioinformatics tools for the prediction of the effect of amino acid changes on protein structure and function yielded predictions that this variant is benign. Based on the available information, we are unable to determine the clinical significance of this variant.

Ambry Genetics
Classification: Likely benign for Hereditary cancer-predisposing syndrome. Last evaluated: 2023-12-11. Review status: criteria provided, single submitter. Criteria: Ambry Variant Classification Scheme 2023. Collection method: clinical testing. Allele origin: germline.

Baylor Genetics
Classification: Uncertain significance for Colorectal cancer. Last evaluated: 2023-08-31. Review status: criteria provided, single submitter. Criteria: ACMG Guidelines, 2015. Collection method: clinical testing. Allele origin: unknown.

Sema4
Classification: Uncertain significance for Hereditary cancer-predisposing syndrome. Last evaluated: 2021-08-12. Review status: criteria provided, single submitter. Criteria: Sema4 Curation Guidelines. Collection method: curation. Allele origin: germline.
Comment: The AXIN2 c.370G>A (p.D124N) variant has not been reported in the literature to our knowledge. It was observed in 2/113768 chromosomes of the Non-Finnish European subpopulation in the large and broad cohorts of the Genome Aggregation Database (PMID: 32461654). This variant has been reported in ClinVar (Variation ID: 408772). Functional studies have not been performed, and in silico predictions of the variant's effect on protein function are inconclusive. The evidence is insufficient to meet ACMG/AMP criteria for classifying the variant as benign or pathogenic. Thus, the clinical significance of this variant is currently uncertain.

Literature cited by the submitters: PubMed 21520333 (cited by Labcorp Genetics (formerly Invitae), Labcorp).

NM_004655.4(AXIN2):c.370G>A (p.Asp124Asn)

Gene: AXIN2 (axin 2; minus strand). Cytogenetic location: 17q24.1.
Variant type: single nucleotide variant.
Coding change: c.370G>A on transcript NM_004655.4 (MANE Select); coding-DNA position 370, G replaced by A.
Protein change: p.Asp124Asn; replaces aspartic acid 124 with asparagine.
Molecular consequence: missense variant.
Genome position (GRCh38, 1-based): chr17:65,558,251, C>T on the plus strand (G>A on the coding strand, the complement: AXIN2 is on the minus strand). VCF-style: chr17-65558251-C-T. GRCh37 (hg19) VCF-style: chr17-63554369-C-T.
Other names: c.370G>A (LRG_296t1); c.370G>A, p.Asp124Asn (NM_001363813.1); short protein forms D124N.
Identifiers: ClinVar variation 408772 (VCV000408772.62), dbSNP rs755990979, ClinGen allele CA8719059.